The following is an entry in ClinVar:

NM_001376.5(DYNC1H1):c.9457A>G (p.Thr3153Ala)

Genes: DYNC1H1 (dynein cytoplasmic 1 heavy chain 1; plus strand), LOC126862060 (BRD4-independent group 4 enhancer GRCh37_chr14:102493659-102494858; plus strand). Cytogenetic location: 14q32.31.
Variant type: single nucleotide variant.
Coding change: c.9457A>G on transcript NM_001376.5 (MANE Select); coding-DNA position 9457, A replaced by G.
Protein change: p.Thr3153Ala; replaces threonine 3153 with alanine.
Molecular consequence: missense variant.
Genome position (GRCh38, 1-based): chr14:102,028,130, A>G. VCF-style: chr14-102028130-A-G. GRCh37 (hg19) VCF-style: chr14-102494467-A-G.
Other names: short protein forms T3153A.
Identifiers: ClinVar variation 4764109 (VCV004764109.1).
Genomic context (GRCh38, chr14:102,028,130, plus strand): 5'-CTGCCGCAGCCACCATCCCATCGGGAAGCCATTGTGAACAGCTGTGTGTTTGTTCATCAG[A>G]CTCTTCACCAGGTGGGTTCAGTTTTGAGATCAACAGATAAACCACAAAACTAACCATCAT-3'
Protein context (NP_001367.2, residues 3143-3163): IVNSCVFVHQ[Thr3153Ala]LHQANARLAK

ClinVar aggregate classification (germline): Uncertain significance (1 of 4 stars; one submission).

Conditions:
Charcot-Marie-Tooth disease axonal type 2O. Also called: CHARCOT-MARIE-TOOTH NEUROPATHY, AXONAL, TYPE 2O; CHARCOT-MARIE-TOOTH DISEASE, AXONAL, AUTOSOMAL DOMINANT, TYPE 2O; Charcot-Marie-Tooth Neuropathy Type 2O; Charcot-Marie-Tooth disease, axonal, type 20. Identifiers: Orphanet 284232, MedGen C3280220, MONDO:0013644, OMIM 614228.

Submission:

Labcorp Genetics (formerly Invitae), Labcorp
Classification: Uncertain significance for Charcot-Marie-Tooth disease axonal type 2O. Last evaluated: 2025-11-15. Review status: criteria provided, single submitter. Criteria: Invitae Variant Classification Sherloc (09022015). Collection method: clinical testing. Allele origin: germline.
Comment: This sequence change replaces threonine, which is neutral and polar, with alanine, which is neutral and non-polar, at codon 3153 of the DYNC1H1 protein (p.Thr3153Ala). This variant is not present in population databases (gnomAD no frequency). This variant has not been reported in the literature in individuals affected with DYNC1H1-related conditions. Invitae Evidence Modeling of protein sequence and biophysical properties (such as structural, functional, and spatial information, amino acid conservation, physicochemical variation, residue mobility, and thermodynamic stability) indicates that this missense variant is not expected to disrupt DYNC1H1 protein function with a negative predictive value of 95%. In summary, the available evidence is currently insufficient to determine the role of this variant in disease. Therefore, it has been classified as a Variant of Uncertain Significance.